The following is an entry in ClinVar:

ClinVar aggregate classification (germline): Likely benign (1 of 4 stars; one submission).

gnomAD v4.1: 39 of 762,174 alleles (0.0051%); highest among the groups gnomAD compares: Non-Finnish European, 0.0091%; no homozygotes.

Submission:

CeGaT Center for Human Genetics Tuebingen
Classification: Likely benign. Last evaluated: 2023-09-01. Review status: criteria provided, single submitter. Criteria: CeGaT Center For Human Genetics Tuebingen Variant Classification Criteria Version 2. Collection method: clinical testing. Allele origin: germline. Affected: yes. Observed: 1 variant allele.
Comment: MUC5AC: BP4, BP7

NM_001304359.2(MUC5AC):c.13725C>G (p.Thr4575=)

Gene: MUC5AC (mucin 5AC, oligomeric mucus/gel-forming; plus strand). Cytogenetic location: 11p15.5.
Variant type: single nucleotide variant.
Coding change: c.13725C>G on transcript NM_001304359.2 (MANE Select); coding-DNA position 13725, C replaced by G.
Protein change: p.Thr4575=; no amino-acid change (threonine 4575 retained).
Molecular consequence: synonymous variant.
Genome position (GRCh38, 1-based): chr11:1,191,870, C>G. VCF-style: chr11-1191870-C-G. GRCh37 (hg19) VCF-style: chr11-1213095-C-G.
Identifiers: ClinVar variation 2641169 (VCV002641169.24), dbSNP rs28443190, ClinGen allele CA472445969.